The following is an entry in ClinVar:

NM_001253852.3(AP4B1):c.1357G>T (p.Ala453Ser)

Genes: AP4B1 (adaptor related protein complex 4 subunit beta 1; minus strand), AP4B1-AS1 (AP4B1 antisense RNA 1; plus strand). Cytogenetic location: 1p13.2.
Variant type: single nucleotide variant.
Coding change: c.1357G>T on transcript NM_001253852.3 (MANE Select); coding-DNA position 1357, G replaced by T.
Protein change: p.Ala453Ser; replaces alanine 453 with serine.
Molecular consequence: missense variant.
Genome position (GRCh38, 1-based): chr1:113,896,411, C>A on the plus strand (G>T on the coding strand, the complement: AP4B1 is on the minus strand). VCF-style: chr1-113896411-C-A. GRCh37 (hg19) VCF-style: chr1-114439033-C-A.
Other names: c.1060G>T, p.Ala354Ser (NM_001253853.3); c.853G>T, p.Ala285Ser (NM_001308312.2); c.1357G>T, p.Ala453Ser (NM_006594.5); short protein forms A285S, A453S, A354S.
Identifiers: ClinVar variation 1480026 (VCV001480026.6), dbSNP rs2100998376, ClinGen allele CA341710434.

ClinVar aggregate classification (germline): Uncertain significance (1 of 4 stars; one submission).

Conditions:
Hereditary spastic paraplegia 47. Also called: adaptor protein 4 (AP-4) deficiency syndrome; CEREBRAL PALSY, SPASTIC QUADRIPLEGIC, 5; Spastic paraplegia 47, autosomal recessive. Identifiers: Orphanet 280763, MedGen C3279738, MONDO:0013551, OMIM 614066.

Submission:

Labcorp Genetics (formerly Invitae), Labcorp
Classification: Uncertain significance for Hereditary spastic paraplegia 47. Last evaluated: 2021-08-03. Review status: criteria provided, single submitter. Criteria: Invitae Variant Classification Sherloc (09022015). Collection method: clinical testing. Allele origin: germline.
Comment: In summary, the available evidence is currently insufficient to determine the role of this variant in disease. Therefore, it has been classified as a Variant of Uncertain Significance. Algorithms developed to predict the effect of missense changes on protein structure and function (SIFT, PolyPhen-2, Align-GVGD) all suggest that this variant is likely to be tolerated. This variant has not been reported in the literature in individuals affected with AP4B1-related conditions. This variant is not present in population databases (ExAC no frequency). This sequence change replaces alanine with serine at codon 453 of the AP4B1 protein (p.Ala453Ser). The alanine residue is highly conserved and there is a moderate physicochemical difference between alanine and serine.